The following is an entry in ClinVar:

NM_001943.5(DSG2):c.1262G>A (p.Gly421Glu)

Gene: DSG2 (desmoglein 2; plus strand). Cytogenetic location: 18q12.1.
Variant type: single nucleotide variant.
Coding change: c.1262G>A on transcript NM_001943.5 (MANE Select); coding-DNA position 1262, G replaced by A.
Protein change: p.Gly421Glu; replaces glycine 421 with glutamic acid.
Molecular consequence: missense variant.
Genome position (GRCh38, 1-based): chr18:31,531,234, G>A. VCF-style: chr18-31531234-G-A. GRCh37 (hg19) VCF-style: chr18-29111197-G-A.
Other names: c.1262G>A (NM_001943.3); short protein forms G421E.
Identifiers: ClinVar variation 926015 (VCV000926015.5), dbSNP rs1232284581, ClinGen allele CA402139584.

ClinVar aggregate classification (germline): Uncertain significance. Review status: criteria provided, multiple submitters, no conflicts (2 of 4 stars). 2 submissions from 2 submitters: Uncertain significance (2). Last evaluated 2025-05-08.

Conditions:
Cardiomyopathy (CMYO). Also called: Cardiomyopathies. Identifiers: Orphanet 167848, MedGen C0878544, MONDO:0004994, HP:0001638. Inheritance: Various modes of inheritance.
Cardiovascular phenotype. Identifiers: MedGen CN230736.

Allele frequency attached by ClinVar (database versions not stated): gnomAD exomes below 0.00001 and 0.00001; gnomAD 0.00001.
gnomAD v4.1: 11 of 1,614,030 alleles (0.00068%); highest among the groups gnomAD compares: Non-Finnish European, 0.00085%; no homozygotes.

Submissions (2):

Ambry Genetics
Classification: Uncertain significance for Cardiovascular phenotype. Last evaluated: 2025-05-08. Review status: criteria provided, single submitter. Criteria: Ambry Variant Classification Scheme 2023. Collection method: clinical testing. Allele origin: germline.
Comment: The p.G421E variant (also known as c.1262G>A), located in coding exon 9 of the DSG2 gene, results from a G to A substitution at nucleotide position 1262. The glycine at codon 421 is replaced by glutamic acid, an amino acid with similar properties. This amino acid position is conserved. In addition, the in silico prediction for this alteration is inconclusive. Based on the available evidence, the clinical significance of this variant remains unclear.

Color Diagnostics, LLC DBA Color Health
Classification: Uncertain significance for Cardiomyopathy. Last evaluated: 2024-03-06. Review status: criteria provided, single submitter. Criteria: ACMG Guidelines, 2015. Collection method: clinical testing. Allele origin: germline.
Comment: This missense variant replaces glycine with glutamic acid at codon 421 of the DSG2 protein. Computational prediction tool suggests that this variant may not impact protein structure and function (internally defined REVEL score threshold <=0.5, PMID: 27666373). Splice site prediction tools suggest that this variant may not impact RNA splicing. To our knowledge, functional studies have not been performed for this variant. This variant has not been reported in individuals affected with cardiovascular disorders in the literature. This variant has been identified in 2/280634 chromosomes in the general population by the Genome Aggregation Database (gnomAD). The available evidence is insufficient to determine the role of this variant in disease conclusively. Therefore, this variant is classified as a Variant of Uncertain Significance.